The following is an entry in ClinVar:

NM_130837.3(OPA1):c.706C>G (p.Gln236Glu)

Genes: OPA1 (OPA1 mitochondrial dynamin like GTPase; plus strand), OPA1-AS1 (OPA1 antisense RNA 1; minus strand). Cytogenetic location: 3q29.
Variant type: single nucleotide variant.
Coding change: c.706C>G on transcript NM_130837.3 (MANE Select); coding-DNA position 706, C replaced by G.
Protein change: p.Gln236Glu; replaces glutamine 236 with glutamic acid.
Molecular consequence: missense variant. On other transcripts: intron variant (5).
Genome position (GRCh38, 1-based): chr3:193,626,119, C>G. VCF-style: chr3-193626119-C-G. GRCh37 (hg19) VCF-style: chr3-193343908-C-G.
Other names: c.625-5493C>G (NM_015560.3); c.571-5493C>G (NM_130832.3); c.517-5493C>G (NM_130831.3); c.172C>G, p.Gln58Glu (NM_001354663.2); c.544C>G, p.Gln182Glu (NM_130833.3); c.598C>G, p.Gln200Glu (NM_130835.3); c.652C>G, p.Gln218Glu (NM_130836.3); c.253-5493C>G (NM_001354664.2); and 1 more; short protein forms Q58E, Q200E, Q218E, Q182E, Q236E.
Identifiers: ClinVar variation 1390801 (VCV001390801.6), dbSNP rs779375399, ClinGen allele CA355788583.

ClinVar aggregate classification (germline): Uncertain significance (1 of 4 stars; one submission).

gnomAD v4.1: 2 of 1,613,960 alleles (0.00012%); highest among the groups gnomAD compares: African/African-American, 0.0027%; no homozygotes.

Submission:

Labcorp Genetics (formerly Invitae), Labcorp
Classification: Uncertain significance. Last evaluated: 2022-11-22. Review status: criteria provided, single submitter. Criteria: Invitae Variant Classification Sherloc (09022015). Collection method: clinical testing. Allele origin: germline.
Comment: This variant has not been reported in the literature in individuals affected with OPA1-related conditions. This variant is not present in population databases (gnomAD no frequency). This sequence change replaces glutamine, which is neutral and polar, with glutamic acid, which is acidic and polar, at codon 236 of the OPA1 protein (p.Gln236Glu). The OPA1 gene has multiple clinically relevant transcripts. This variant occurs in alternate transcript NM_130837.2, and corresponds to NM_015560.2:c.625-5493C>G in the primary transcript. ClinVar contains an entry for this variant (Variation ID: 1390801). In summary, the available evidence is currently insufficient to determine the role of this variant in disease. Therefore, it has been classified as a Variant of Uncertain Significance. Algorithms developed to predict the effect of sequence changes on RNA splicing suggest that this variant is not likely to affect RNA splicing. Experimental studies and prediction algorithms are not available or were not evaluated, and the functional significance of this variant is currently unknown.